The following is an entry in ClinVar:

NM_004304.5(ALK):c.4157G>C (p.Cys1386Ser)

Gene: ALK (ALK receptor tyrosine kinase; minus strand). Cytogenetic location: 2p23.2.
Variant type: single nucleotide variant.
Coding change: c.4157G>C on transcript NM_004304.5 (MANE Select); coding-DNA position 4157, G replaced by C.
Protein change: p.Cys1386Ser; replaces cysteine 1386 with serine.
Molecular consequence: missense variant.
Genome position (GRCh38, 1-based): chr2:29,196,777, C>G on the plus strand (G>C on the coding strand, the complement: ALK is on the minus strand). VCF-style: chr2-29196777-C-G. GRCh37 (hg19) VCF-style: chr2-29419643-C-G.
Other names: c.953G>C, p.Cys318Ser (NM_001353765.2); short protein forms C1386S, C318S.
Identifiers: ClinVar variation 2085222 (VCV002085222.4), dbSNP rs2148141710, ClinGen allele CA346464816.

ClinVar aggregate classification (germline): Uncertain significance (1 of 4 stars; one submission).

Conditions:
Neuroblastoma, susceptibility to, 3. Also called: ALK-Related Neuroblastic Tumor Susceptibility. Identifiers: Orphanet 635, MedGen C2751681, MONDO:0013083, OMIM 613014.

Submission:

Labcorp Genetics (formerly Invitae), Labcorp
Classification: Uncertain significance for Neuroblastoma, susceptibility to, 3. Last evaluated: 2022-01-16. Review status: criteria provided, single submitter. Criteria: Invitae Variant Classification Sherloc (09022015). Collection method: clinical testing. Allele origin: germline.
Comment: This variant is not present in population databases (gnomAD no frequency). This sequence change replaces cysteine, which is neutral and slightly polar, with serine, which is neutral and polar, at codon 1386 of the ALK protein (p.Cys1386Ser). This variant has not been reported in the literature in individuals affected with ALK-related conditions. In summary, the available evidence is currently insufficient to determine the role of this variant in disease. Therefore, it has been classified as a Variant of Uncertain Significance. Algorithms developed to predict the effect of missense changes on protein structure and function are either unavailable or do not agree on the potential impact of this missense change (SIFT: "Deleterious"; PolyPhen-2: "Probably Damaging"; Align-GVGD: "Class C0").